The following is an entry in ClinVar:

NM_001130987.2(DYSF):c.2778G>A (p.Thr926=)

Gene: DYSF (dysferlin; plus strand). Cytogenetic location: 2p13.2.
Variant type: single nucleotide variant.
Coding change: c.2778G>A on transcript NM_001130987.2 (MANE Select); coding-DNA position 2778, G replaced by A.
Protein change: p.Thr926=; no amino-acid change (threonine 926 retained).
Molecular consequence: synonymous variant.
Genome position (GRCh38, 1-based): chr2:71,568,252, G>A. VCF-style: chr2-71568252-G-A. GRCh37 (hg19) VCF-style: chr2-71795382-G-A.
Other names: c.2727G>A, p.Thr909= (NM_001130455.2, NM_001130983.2); c.2682G>A, p.Thr894= (NM_001130976.2, NM_001130977.2); c.2724G>A, p.Thr908= (NM_001130978.2, NM_003494.4); c.2817G>A, p.Thr939= (NM_001130979.2); c.2775G>A, p.Thr925= (NM_001130980.2, NM_001130981.2); c.2820G>A, p.Thr940= (NM_001130982.2); c.2685G>A, p.Thr895= (NM_001130984.2, NM_001130986.2); c.2778G>A, p.Thr926= (NM_001130985.2).
Identifiers: ClinVar variation 4805417 (VCV004805417.1).
Genomic context (GRCh38, chr2:71,568,252, plus strand): 5'-GGCCCTTGTTGGGAACTGGGGCACAACGGGCCTCACCTACCCCAAGTTTTCTGACGTCAC[G>A]GGCAAGATCAAGCTACCCAAGGACAGCTTCCGCCCCTCGGCCGGCTGGACCTGGGCTGGA-3'
Protein context (NP_001124459.1, residues 916-936): GLTYPKFSDV[Thr926=]GKIKLPKDSF

ClinVar aggregate classification (germline): Uncertain significance (1 of 4 stars; one submission).

Conditions:
Neuromuscular disease caused by qualitative or quantitative defects of dysferlin. Also called: Qualitative or quantitative defects of dysferlin; Dysferlinopathy. Identifiers: Orphanet 207073, MedGen C2931687, MONDO:0016145.

gnomAD v4.1: 20 of 1,614,220 alleles (0.0012%); highest among the groups gnomAD compares: Non-Finnish European, 0.001%; no homozygotes.

Submission:

Labcorp Genetics (formerly Invitae), Labcorp
Classification: Uncertain significance for Neuromuscular disease caused by qualitative or quantitative defects of dysferlin. Last evaluated: 2026-01-08. Review status: criteria provided, single submitter. Criteria: Invitae Variant Classification Sherloc (09022015). Collection method: clinical testing. Allele origin: germline.
Comment: This sequence change affects codon 908 of the DYSF mRNA. It is a 'silent' change, meaning that it does not change the encoded amino acid sequence of the DYSF protein. This variant is present in population databases (no rsID available, gnomAD 0.01%). This variant has not been reported in the literature in individuals affected with DYSF-related conditions. Algorithms developed to predict the effect of sequence changes on RNA splicing suggest that this variant may disrupt the consensus splice site. In summary, the available evidence is currently insufficient to determine the role of this variant in disease. Therefore, it has been classified as a Variant of Uncertain Significance.